The following is an entry in ClinVar:

NM_000219.6(KCNE1):c.362A>C (p.His121Pro)

Gene: KCNE1 (potassium voltage-gated channel subfamily E regulatory subunit 1; minus strand). Cytogenetic location: 21q22.12.
Variant type: single nucleotide variant.
Coding change: c.362A>C on transcript NM_000219.6 (MANE Select); coding-DNA position 362, A replaced by C.
Protein change: p.His121Pro; replaces histidine 121 with proline.
Molecular consequence: missense variant.
Genome position (GRCh38, 1-based): chr21:34,449,273, T>G on the plus strand (A>C on the coding strand, the complement: KCNE1 is on the minus strand). VCF-style: chr21-34449273-T-G. GRCh37 (hg19) VCF-style: chr21-35821571-T-G.
Other names: c.362A>C, p.His121Pro (NM_001127668.4, NM_001127669.4, NM_001127670.4 and 4 more transcripts); short protein forms H121P.
Identifiers: ClinVar variation 3373816 (VCV003373816.2).

Conditions:
Long QT syndrome 5 (LQT5). Identifiers: Orphanet 101016, Orphanet 768, MedGen C1867904, MONDO:0013372, OMIM 613695.

Submission:

Roden Lab, Vanderbilt University Medical Center
No classification provided (evidence only). Condition: Long QT syndrome 5. Review status: no classification provided. Collection method: in vitro. Allele origin: not applicable. Functional consequence: Effect on ion channel function.
ClinVar note: "not provided" was previously submitted as the classification for the variant. However, the classification appeared to be based only on an observation of functional data so it was converted to no classification on 2025-07-30.